The following is an entry in ClinVar:

NM_004655.4(AXIN2):c.1745_1756del (p.Asn582_Gly585del)

Gene: AXIN2 (axin 2; minus strand). Cytogenetic location: 17q24.1.
Variant type: Deletion.
Coding change: c.1745_1756del on transcript NM_004655.4 (MANE Select); coding-DNA positions 1745 to 1756, 12 bases deleted (ATGGGAAAGGCA).
Protein change: p.Asn582_Gly585del.
Molecular consequence: inframe deletion. On other transcripts: intron variant (1), inframe indel (1).
Genome position (GRCh38, 1-based): chr17:65,537,020-65,537,031, TGCCTTTCCCAT deleted on the plus strand (ATGGGAAAGGCA on the coding strand, the reverse complement: AXIN2 is on the minus strand); deleting any 12 consecutive bases within chr17:65,537,020-65,537,034 gives the same sequence; the c. name uses the placement nearest the transcript's 3' end. VCF-style (leftmost placement, unchanged base first): chr17-65537019-GTGCCTTTCCCAT-G. GRCh37 (hg19) VCF-style: chr17-63533137-GTGCCTTTCCCAT-G.
Other names: c.1712+293_1712+304del (NM_001363813.1); c.1745_1756del12 (NM_004655.3).
Identifiers: ClinVar variation 1779272 (VCV001779272.2), dbSNP rs2509408627, ClinGen allele CA2580094698.

ClinVar aggregate classification (germline): Uncertain significance (1 of 4 stars; one submission).

Conditions:
Hereditary cancer-predisposing syndrome. Also called: Neoplastic Syndromes, Hereditary; Tumor predisposition; Hereditary Cancer Syndrome; Hereditary neoplastic syndrome. Identifiers: Orphanet 140162, MedGen C0027672, MeSH D009386, MONDO:0015356.

Submission:

Ambry Genetics
Classification: Uncertain significance for Hereditary cancer-predisposing syndrome. Last evaluated: 2022-08-29. Review status: criteria provided, single submitter. Criteria: Ambry Variant Classification Scheme 2023. Collection method: clinical testing. Allele origin: germline.
Comment: The c.1745_1756del12 variant (also known as p.N582_G585del) is located in coding exon 6 of the AXIN2 gene. This variant results from an in-frame ATGGGAAAGGCA deletion at nucleotide positions 1745 to 1756. This results in the in-frame deletion of 4 amino acids between codons 582 and 585. This amino acid region is not well conserved in available vertebrate species. Since supporting evidence is limited at this time, the clinical significance of this alteration remains unclear.